The following is an entry in ClinVar:

NM_000642.3(AGL):c.1082+3A>G

Gene: AGL (amylo-alpha-1,6-glucosidase and 4-alpha-glucanotransferase; plus strand). Cytogenetic location: 1p21.2.
Variant type: single nucleotide variant.
Coding change: c.1082+3A>G on transcript NM_000642.3 (MANE Select); 3 bases into the intron after coding-DNA position 1082, A replaced by G.
Molecular consequence: intron variant.
Genome position (GRCh38, 1-based): chr1:99,874,813, A>G. VCF-style: chr1-99874813-A-G. GRCh37 (hg19) VCF-style: chr1-100340369-A-G.
Other names: c.1082+3A>G (NM_001425327.1, NM_001425325.1, NM_000028.3 and 3 more transcripts); c.878+3A>G (NM_001425328.1, NM_001425329.1); c.704+3A>G (NM_001425332.1); c.1034+3A>G (NM_000646.3).
Identifiers: ClinVar variation 1004613 (VCV001004613.2), dbSNP rs757095271, ClinGen allele CA966367.
Genomic context (GRCh38, chr1:99,874,813, plus strand): 5'-GACGGTTTGGCTGTACTGTAGATATGAACATTGCACTAACGACTTTCATACCACATGAGT[A>G]TGTAATGTGTTTTTTTCTGTGAAATAATAATATTACTTACAAACCTTTATGGCTAGTATG-3'

ClinVar aggregate classification (germline): Uncertain significance (1 of 4 stars; one submission).

Conditions:
Glycogen storage disease type III (GSD3). Also called: Cori disease; FORBES DISEASE. Identifiers: Orphanet 366, MedGen C0017922, MONDO:0009291, OMIM 232400.

Allele frequency attached by ClinVar (database versions not stated): ExAC 0.00001.
gnomAD v4.1: 9 of 1,613,474 alleles (0.00056%); highest among the groups gnomAD compares: Admixed American, 0.0017%; no homozygotes.

Submission:

Labcorp Genetics (formerly Invitae), Labcorp
Classification: Uncertain significance for Glycogen storage disease type III. Last evaluated: 2022-07-12. Review status: criteria provided, single submitter. Criteria: Invitae Variant Classification Sherloc (09022015). Collection method: clinical testing. Allele origin: germline.
Comment: This sequence change falls in intron 8 of the AGL gene. It does not directly change the encoded amino acid sequence of the AGL protein. It affects a nucleotide within the consensus splice site. This variant is present in population databases (rs757095271, gnomAD 0.003%). This variant has not been reported in the literature in individuals affected with AGL-related conditions. ClinVar contains an entry for this variant (Variation ID: 1004613). Variants that disrupt the consensus splice site are a relatively common cause of aberrant splicing (PMID: 17576681, 9536098). Algorithms developed to predict the effect of sequence changes on RNA splicing suggest that this variant may create or strengthen a splice site. In summary, the available evidence is currently insufficient to determine the role of this variant in disease. Therefore, it has been classified as a Variant of Uncertain Significance.

Literature cited by the submitters: PubMed 17576681; PubMed 9536098.